The following is an entry in ClinVar:

ClinVar aggregate classification (germline): Uncertain significance (1 of 4 stars; one submission).

Conditions:
Hereditary cancer-predisposing syndrome. Also called: Neoplastic Syndromes, Hereditary; Tumor predisposition; Hereditary neoplastic syndrome; Hereditary Cancer Syndrome. Identifiers: Orphanet 140162, MedGen C0027672, MeSH D009386, MONDO:0015356.

Submission:

Ambry Genetics
Classification: Uncertain significance for Hereditary cancer-predisposing syndrome. Last evaluated: 2023-02-23. Review status: criteria provided, single submitter. Criteria: Ambry Variant Classification Scheme 2023. Collection method: clinical testing. Allele origin: germline.
Comment: The p.L75F variant (also known as c.223C>T), located in coding exon 1 of the MEN1 gene, results from a C to T substitution at nucleotide position 223. The leucine at codon 75 is replaced by phenylalanine, an amino acid with highly similar properties. This amino acid position is conserved. In addition, the in silico prediction for this alteration is inconclusive. Since supporting evidence is limited at this time, the clinical significance of this alteration remains unclear.

NM_001370259.2(MEN1):c.223C>T (p.Leu75Phe)

Gene: MEN1 (menin 1; minus strand). Cytogenetic location: 11q13.1.
Variant type: single nucleotide variant.
Coding change: c.223C>T on transcript NM_001370259.2 (MANE Select); coding-DNA position 223, C replaced by T.
Protein change: p.Leu75Phe; replaces leucine 75 with phenylalanine.
Molecular consequence: missense variant. On other transcripts: non-coding transcript variant (4).
Genome position (GRCh38, 1-based): chr11:64,809,887, G>A on the plus strand (C>T on the coding strand, the complement: MEN1 is on the minus strand). VCF-style: chr11-64809887-G-A. GRCh37 (hg19) VCF-style: chr11-64577359-G-A.
Other names: c.223C>T, p.Leu75Phe (NM_000244.4, NM_001370251.2, NM_001370260.2 and 20 more transcripts); short protein forms L75F.
Identifiers: ClinVar variation 2450241 (VCV002450241.2), dbSNP rs2497275806, ClinGen allele CA381187614.